The following is an entry in ClinVar:

NM_001159699.2(FHL1):c.835C>T (p.Arg279Cys)

Gene: FHL1 (four and a half LIM domains 1; plus strand). Cytogenetic location: Xq26.3.
Variant type: single nucleotide variant.
Coding change: c.835C>T on transcript NM_001159699.2 (MANE Select); coding-DNA position 835, C replaced by T.
Protein change: p.Arg279Cys; replaces arginine 279 with cysteine.
Molecular consequence: missense variant. On other transcripts: 3 prime UTR variant (6), non-coding transcript variant (1).
Genome position (GRCh38, 1-based): chrX:136,209,969, C>T. VCF-style: chrX-136209969-C-T. GRCh37 (hg19) VCF-style: chrX-135292128-C-T.
Other names: c.787C>T, p.Arg263Cys (NM_001159700.2, NM_001159704.1, NM_001167819.1 and 4 more transcripts); c.874C>T, p.Arg292Cys (NM_001159701.2); c.*15C>T (NM_001159702.3, NM_001159703.2, NM_001330659.2 and 3 more transcripts); c.835C>T (NM_001159699.1); short protein forms R263C, R279C, R292C.
Identifiers: ClinVar variation 1760990 (VCV001760990.6), dbSNP rs2073965890, ClinGen allele CA414609838.

ClinVar aggregate classification (germline): Uncertain significance. Review status: criteria provided, multiple submitters, no conflicts (2 of 4 stars). 3 submissions from 3 submitters: Uncertain significance (3). Last evaluated 2026-05-01.

Conditions:
FHL1-related disorder. Also called: FHL1-related condition; FHL1-related disorders.
Cardiovascular phenotype. Identifiers: MedGen CN230736.
X-linked myopathy with postural muscle atrophy. Also called: FHL1-Related Emery-Dreifuss Muscular Dystrophy, X-Linked. Identifiers: Orphanet 178461, MedGen C2678055, MONDO:0010401, OMIM 300696.

Allele frequency attached by ClinVar (database versions not stated): TOPMed 0.00001.
gnomAD v4.1: 4 of 1,211,278 alleles (0.00033%); highest among the groups gnomAD compares: African/African-American, 0.0017%; no homozygotes.

Submissions (3):

PreventionGenetics, part of Exact Sciences
Classification: Uncertain significance for FHL1-related condition. Last evaluated: 2026-05-01. Review status: criteria provided, single submitter. Criteria: ACMG Guidelines, 2015. Collection method: clinical testing. Allele origin: germline.
Comment: The FHL1 c.835C>T variant is predicted to result in the amino acid substitution p.Arg279Cys. To our knowledge, this variant has not been reported in the literature or in a large population database (gnomAD), indicating this variant is rare. At this time, the clinical significance of this variant is uncertain due to the absence of conclusive functional and genetic evidence.

Labcorp Genetics (formerly Invitae), Labcorp
Classification: Uncertain significance for X-linked myopathy with postural muscle atrophy. Last evaluated: 2024-12-12. Review status: criteria provided, single submitter. Criteria: Invitae Variant Classification Sherloc (09022015). Collection method: clinical testing. Allele origin: germline.
Comment: This sequence change replaces arginine, which is basic and polar, with cysteine, which is neutral and slightly polar, at codon 263 of the FHL1 protein (p.Arg263Cys). This variant is not present in population databases (gnomAD no frequency). This variant has not been reported in the literature in individuals affected with FHL1-related conditions. ClinVar contains an entry for this variant (Variation ID: 1760990). An algorithm developed to predict the effect of missense changes on protein structure and function (PolyPhen-2) suggests that this variant is likely to be disruptive. In summary, the available evidence is currently insufficient to determine the role of this variant in disease. Therefore, it has been classified as a Variant of Uncertain Significance.

Ambry Genetics
Classification: Uncertain significance for Cardiovascular phenotype. Last evaluated: 2022-01-31. Review status: criteria provided, single submitter. Criteria: Ambry Variant Classification Scheme 2023. Collection method: clinical testing. Allele origin: germline.
Comment: The p.R263C variant (also known as c.787C>T), located in coding exon 5 of the FHL1 gene, results from a C to T substitution at nucleotide position 787. The arginine at codon 263 is replaced by cysteine, an amino acid with highly dissimilar properties. This amino acid position is well conserved in available vertebrate species. In addition, the in silico prediction for this alteration is inconclusive. Since supporting evidence is limited at this time, the clinical significance of this alteration remains unclear.